The following is an entry in ClinVar:

ClinVar aggregate classification (germline): Uncertain significance (1 of 4 stars; one submission).

Conditions:
Inborn genetic diseases. Identifiers: MedGen C0950123, MeSH D030342.

Submission:

Ambry Genetics
Classification: Uncertain significance for Inborn genetic diseases. Last evaluated: 2021-01-07. Review status: criteria provided, single submitter. Criteria: Ambry Variant Classification Scheme 2023. Collection method: clinical testing. Allele origin: germline.
Comment: The c.675+3_675+76del74 alteration is located in Intron 2 (E) of the TTC19 gene. This alteration consists of a deletion of 74 nucleotides between nucleotide positions c.6753 and c.67576 Intron 2 (E). Based on insufficient or conflicting evidence, the clinical significance of this alteration remains unclear.

NM_017775.4(TTC19):c.312+3_312+76del

Gene: TTC19 (tetratricopeptide repeat domain 19; plus strand). Cytogenetic location: 17p12.
Variant type: Deletion.
Coding change: c.312+3_312+76del on transcript NM_017775.4 (MANE Select); bases 3 to 76 of the intron after coding-DNA position 312, 74 bases deleted.
Molecular consequence: splice donor variant. On other transcripts: 5 prime UTR variant (1).
Genome position (GRCh38, 1-based): chr17:16,000,248-16,000,321, 74 bases deleted. GRCh37 (hg19): chr17:15,903,562-15,903,635.
Other names: c.-144_-71del (NM_001271420.2).
Identifiers: ClinVar variation 2228730 (VCV002228730.2), dbSNP rs2549920290, ClinGen allele CA2580092591.